The following is an entry in ClinVar:

ClinVar aggregate classification (germline): Conflicting classifications of pathogenicity. Review status: criteria provided, conflicting classifications (1 of 4 stars). 5 submissions from 5 submitters: Uncertain significance (4); Benign (1). Last evaluated 2025-02-27.

Conditions:
BAP1-related tumor predisposition syndrome (TPDS1). Also called: COMMON Syndrome; TUMOR PREDISPOSITION SYNDROME 1; Tumor susceptibility linked to germline BAP1 mutations; BAP1 tumor predisposition syndrome. Identifiers: Orphanet 289539, MedGen C3280492, MONDO:0013692, OMIM 614327.
Hereditary cancer-predisposing syndrome. Also called: Tumor predisposition; Neoplastic Syndromes, Hereditary; Hereditary neoplastic syndrome; Hereditary Cancer Syndrome. Identifiers: Orphanet 140162, MedGen C0027672, MeSH D009386, MONDO:0015356.

Allele frequency attached by ClinVar (database versions not stated): gnomAD exomes below 0.00001; gnomAD 0.00001.
gnomAD v4.1: 5 of 1,611,908 alleles (0.00031%); highest among the groups gnomAD compares: South Asian, 0.0022%; no homozygotes.

Submissions (5):

Ambry Genetics
Classification: Benign for Hereditary cancer-predisposing syndrome. Last evaluated: 2025-02-27. Review status: criteria provided, single submitter. Criteria: Ambry Variant Classification Scheme 2023. Collection method: clinical testing. Allele origin: germline.

Labcorp Genetics (formerly Invitae), Labcorp
Classification: Uncertain significance for BAP1-related tumor predisposition syndrome. Last evaluated: 2024-12-26. Review status: criteria provided, single submitter. Criteria: Invitae Variant Classification Sherloc (09022015). Collection method: clinical testing. Allele origin: germline.
Comment: This sequence change replaces threonine, which is neutral and polar, with alanine, which is neutral and non-polar, at codon 64 of the BAP1 protein (p.Thr64Ala). This variant is present in population databases (no rsID available, gnomAD 0.003%). This variant has not been reported in the literature in individuals affected with BAP1-related conditions. ClinVar contains an entry for this variant (Variation ID: 923904). Invitae Evidence Modeling of protein sequence and biophysical properties (such as structural, functional, and spatial information, amino acid conservation, physicochemical variation, residue mobility, and thermodynamic stability) has been performed for this missense variant. However, the output from this modeling did not meet the statistical confidence thresholds required to predict the impact of this variant on BAP1 protein function. In summary, the available evidence is currently insufficient to determine the role of this variant in disease. Therefore, it has been classified as a Variant of Uncertain Significance.

Color Diagnostics, LLC DBA Color Health
Classification: Uncertain significance for Hereditary cancer-predisposing syndrome. Last evaluated: 2024-03-06. Review status: criteria provided, single submitter. Criteria: ACMG Guidelines, 2015. Collection method: clinical testing. Allele origin: germline.
Comment: This missense variant replaces threonine with alanine at codon 64 of the BAP1 protein. Computational prediction suggests that this variant may not impact protein structure and function (internally defined REVEL score threshold <= 0.5, PMID: 27666373). Splice site prediction tools suggest that this variant may not impact RNA splicing. To our knowledge, functional studies have not been performed for this variant. This variant has not been reported in individuals affected with hereditary cancer in the literature. This variant has been identified in 1/245944 chromosomes in the general population by the Genome Aggregation Database (gnomAD). The available evidence is insufficient to determine the role of this variant in disease conclusively. Therefore, this variant is classified as a Variant of Uncertain Significance.

Blueprint Genetics
Classification: Uncertain significance. Last evaluated: 2023-09-07. Review status: criteria provided, single submitter. Criteria: ACMG Guidelines, 2015. Collection method: clinical testing. Allele origin: germline.

Sema4
Classification: Uncertain significance for Hereditary cancer-predisposing syndrome. Last evaluated: 2021-05-12. Review status: criteria provided, single submitter. Criteria: Sema4 Curation Guidelines. Collection method: curation. Allele origin: germline.
Comment: The BAP1 c.190A>G (p.T64A) variant has not been reported in the literature to our knowledge. It was observed in 1/29820 chromosomes of the South Asian subpopulation in the large and broad cohorts of the Genome Aggregation Database. The variant has been reported in ClinVar (Variation ID 923904). In silico tools suggest the impact of the variant on protein function is benign, though these predictions have not been confirmed by functional studies. The evidence is insufficient to meet ACMG/AMP criteria for classifying the variant as benign or pathogenic. Thus, the clinical significance of this variant is currently uncertain.

Literature cited by the submitters: PubMed 38969833 (cited by Ambry Genetics).

NM_004656.4(BAP1):c.190A>G (p.Thr64Ala)

Gene: BAP1 (BRCA1 associated deubiquitinase 1; minus strand). Cytogenetic location: 3p21.1.
Variant type: single nucleotide variant.
Coding change: c.190A>G on transcript NM_004656.4 (MANE Select); coding-DNA position 190, A replaced by G.
Protein change: p.Thr64Ala; replaces threonine 64 with alanine.
Molecular consequence: missense variant.
Genome position (GRCh38, 1-based): chr3:52,408,539, T>C on the plus strand (A>G on the coding strand, the complement: BAP1 is on the minus strand). VCF-style: chr3-52408539-T-C. GRCh37 (hg19) VCF-style: chr3-52442555-T-C.
Other names: short protein forms T64A.
Identifiers: ClinVar variation 923904 (VCV000923904.10), dbSNP rs1060503733, ClinGen allele CA353113359.
Genomic context (GRCh38, chr3:52,408,539, plus strand): 5'-GGGCAAAGAACATGTTATTCACAATATCATCATCAATCACGGACGTATCATCCACCAAGG[T>C]AGAGACCTTTCGCCGGGACCGGCGCTCTTCGATCCATTTGAACAGGAAGATAAATCCATA-3'
Protein context (NP_004647.1, residues 54-74): EERRSRRKVS[Thr64Ala]LVDDTSVIDD